The following is an entry in ClinVar:

ClinVar aggregate classification (germline): Benign/Likely benign. Review status: criteria provided, multiple submitters, no conflicts (2 of 4 stars). 13 submissions from 10 submitters: Benign (7); Likely benign (2). 4 of the submissions do not count toward it. Last evaluated 2026-08-01.

Conditions:
Autosomal recessive limb-girdle muscular dystrophy type 2J (LGMDR10). Also called: Limb-girdle muscular dystrophy, type 2J; MUSCULAR DYSTROPHY, LIMB-GIRDLE, AUTOSOMAL RECESSIVE 10. Identifiers: Orphanet 140922, MedGen C1837342, MONDO:0012127, OMIM 608807.
Dilated cardiomyopathy 1G (CMD1G). Identifiers: Orphanet 154, MedGen C1858763, MONDO:0011400, OMIM 604145.
Early-onset myopathy with fatal cardiomyopathy (CMYO5). Also called: Salih Myopathy; CONGENITAL MYOPATHY 5 WITH CARDIOMYOPATHY. Identifiers: Orphanet 289377, MedGen C2673677, MONDO:0012714, OMIM 611705. Disease mechanism: loss of function.
Tibial muscular dystrophy (TMD). Also called: Udd Distal Myopathy – Tibial Muscular Dystrophy; UDD MYOPATHY; Tibial muscular dystrophy, tardive. Identifiers: Orphanet 609, MedGen C1838244, MONDO:0010870, OMIM 600334.
Myopathy, myofibrillar, 9, with early respiratory failure (MFM9). Also called: Myopathy, distal, with early respiratory failure, autosomal dominant; EDSTROM MYOPATHY; MYOPATHY, PROXIMAL, WITH EARLY RESPIRATORY MUSCLE INVOLVEMENT; Hereditary myopathy with early respiratory failure. Identifiers: Orphanet 178464, Orphanet 34521, MedGen C1863599, MONDO:0011362, OMIM 603689.

Allele frequency attached by ClinVar (database versions not stated): 1000 Genomes Project 0.00060; 1000 Genomes Project 30x 0.00094; gnomAD 0.00125; gnomAD exomes 0.00140 and 0.00181; ExAC 0.00489.

Submissions (13):

CeGaT Center for Human Genetics Tuebingen
Classification: Likely benign. Last evaluated: 2026-08-01. Review status: criteria provided, single submitter. Criteria: CeGaT Center For Human Genetics Tuebingen Variant Classification Criteria Version 2. Collection method: clinical testing. Allele origin: germline. Affected: yes. Observed: 26 variant alleles.
Comment: TTN: BP4, BS2

Molecular Diagnostic Laboratory for Inherited Cardiovascular Disease, Montreal Heart Institute
Classification: Benign. Last evaluated: 2025-04-09. Review status: criteria provided, single submitter. Criteria: ACMG Guidelines, 2015. Collection method: clinical testing. Allele origin: germline. Affected: no.

Labcorp Genetics (formerly Invitae), Labcorp
Classification: Benign for Dilated cardiomyopathy 1G; Autosomal recessive limb-girdle muscular dystrophy type 2J. Last evaluated: 2025-02-17. Review status: criteria provided, single submitter. Criteria: Invitae Variant Classification Sherloc (09022015). Collection method: clinical testing. Allele origin: germline.

Blueprint Genetics
Classification: Benign. Last evaluated: 2024-11-22. Review status: criteria provided, single submitter. Criteria: ACMG Guidelines, 2015. Collection method: clinical testing. Allele origin: germline.

Genome-Nilou Lab
Classification: Benign for Autosomal recessive limb-girdle muscular dystrophy type 2J. Last evaluated: 2021-09-10. Review status: criteria provided, single submitter. Criteria: ACMG Guidelines, 2015. Collection method: clinical testing. Allele origin: germline. Affected: no.

Genome-Nilou Lab
Classification: Benign for Myopathy, myofibrillar, 9, with early respiratory failure. Last evaluated: 2021-09-10. Review status: criteria provided, single submitter. Criteria: ACMG Guidelines, 2015. Collection method: clinical testing. Allele origin: germline. Affected: no.

Genome-Nilou Lab
Classification: Benign for Early-onset myopathy with fatal cardiomyopathy. Last evaluated: 2021-09-10. Review status: criteria provided, single submitter. Criteria: ACMG Guidelines, 2015. Collection method: clinical testing. Allele origin: germline. Affected: no.

Genome-Nilou Lab
Classification: Benign for Tibial muscular dystrophy. Last evaluated: 2021-09-10. Review status: criteria provided, single submitter. Criteria: ACMG Guidelines, 2015. Collection method: clinical testing. Allele origin: germline. Affected: no.

Biesecker Lab/Clinical Genomics Section, National Institutes of Health
Classification: Likely benign. Last evaluated: 2013-06-24. Review status: criteria provided, single submitter. Criteria: Ng et al. (Circ Cardiovasc Genet. 2013). Collection method: research. Allele origin: unknown. Observed: 2 variant alleles. Study: ClinSeq.
Comment: The study set was not selected for affection status in relation to any cancer. Pathogenicity categories were based on literature curation. See Pubmed ID:23861362 for details.

Medical sequencing

Clinical Genetics DNA and cytogenetics Diagnostics Lab, Erasmus MC, Erasmus Medical Center
Classification: Benign. Review status: no assertion criteria provided. Collection method: clinical testing. Allele origin: germline. Affected: yes. Study: VKGL Data-share Consensus. Not counted in ClinVar's aggregate classification.

Diagnostic Laboratory, Department of Genetics, University Medical Center Groningen
Classification: Likely benign. Review status: no assertion criteria provided. Collection method: clinical testing. Allele origin: germline. Affected: yes. Study: VKGL Data-share Consensus. Not counted in ClinVar's aggregate classification.

Genome Diagnostics Laboratory, University Medical Center Utrecht
Classification: Benign. Review status: no assertion criteria provided. Collection method: clinical testing. Allele origin: germline. Affected: yes. Study: VKGL Data-share Consensus. Not counted in ClinVar's aggregate classification.

Laboratory of Diagnostic Genome Analysis, Leiden University Medical Center (LUMC)
Classification: Likely benign. Review status: no assertion criteria provided. Collection method: clinical testing. Allele origin: germline. Affected: yes. Study: VKGL Data-share Consensus. Not counted in ClinVar's aggregate classification.

NM_001267550.2(TTN):c.37525G>A (p.Glu12509Lys)

Gene: TTN (titin; minus strand). Cytogenetic location: 2q31.2.
Variant type: single nucleotide variant.
Coding change: c.37525G>A on transcript NM_001267550.2 (MANE Select); coding-DNA position 37525, G replaced by A.
Protein change: p.Glu12509Lys; replaces glutamic acid 12509 with lysine.
Molecular consequence: missense variant. On other transcripts: intron variant (4).
Genome position (GRCh38, 1-based): chr2:178,658,723, C>T on the plus strand (G>A on the coding strand, the complement: TTN is on the minus strand). VCF-style: chr2-178658723-C-T. GRCh37 (hg19) VCF-style: chr2-179523450-C-T.
Other names: c.13283-16406G>A (NM_003319.4); c.13859-16406G>A (NM_133437.4); c.13658-16406G>A (NM_133432.3); c.34522+282G>A (NM_001256850.1); c.31741+282G>A (NM_133378.4); short protein forms E12509K.
Identifiers: ClinVar variation 192169 (VCV000192169.61), dbSNP rs201797790, ClinGen allele CA238505.
Genomic context (GRCh38, chr2:178,658,723, plus strand): 5'-TTCCCCAGGGCCCCCCGACTGACAATGTGTAATGATACCTACCTTTAGGAGGTGGAGCTT[C>T]TGGCTTTTTGGCAGGAGGCACCGGTACTTTCTTTTCTGGGACCACTTCCTTCGGTGGCAG-3'
Protein context (NP_001254479.2, residues 12499-12519): KVPVPPAKKP[Glu12509Lys]APPPKVPEAP